The following is an entry in ClinVar:

NM_000136.3(FANCC):c.993G>A (p.Lys331=)

Genes: AOPEP (aminopeptidase O (putative); plus strand), FANCC (FA complementation group C; minus strand). Cytogenetic location: 9q22.32.
Variant type: single nucleotide variant.
Coding change: c.993G>A on transcript NM_000136.3 (MANE Select); coding-DNA position 993, G replaced by A.
Protein change: p.Lys331=; no amino-acid change (lysine 331 retained).
Molecular consequence: synonymous variant.
Genome position (GRCh38, 1-based): chr9:95,125,089, C>T on the plus strand (G>A on the coding strand, the complement: FANCC is on the minus strand). VCF-style: chr9-95125089-C-T. GRCh37 (hg19) VCF-style: chr9-97887371-C-T.
Other names: c.993G>A, p.Lys331= (NM_001243743.2, NM_001243744.2).
Identifiers: ClinVar variation 220261 (VCV000220261.17), dbSNP rs748582850, ClinGen allele CA349758.

ClinVar aggregate classification (germline): Likely benign. Review status: criteria provided, multiple submitters, no conflicts (2 of 4 stars). 5 submissions from 5 submitters: Likely benign (4). 1 of the submissions does not count toward it. Last evaluated 2025-12-24.

Conditions:
Hereditary cancer-predisposing syndrome. Also called: Hereditary neoplastic syndrome; Tumor predisposition; Hereditary Cancer Syndrome; Neoplastic Syndromes, Hereditary. Identifiers: Orphanet 140162, MedGen C0027672, MeSH D009386, MONDO:0015356.
Fanconi anemia (FA). Also called: Fanconi's anemia. Identifiers: Orphanet 84, MedGen C0015625, MeSH D005199, MONDO:0019391.
Fanconi anemia complementation group C (FANCC). Also called: FANCC-Related Fanconi Anemia; Fanconi anemia, group C; FANCONI PANCYTOPENIA, TYPE 3; FACC. Identifiers: Orphanet 84, MedGen C3468041, MONDO:0009213, OMIM 227645.

Allele frequency attached by ClinVar (database versions not stated): ExAC 0.00001; gnomAD 0.00002; gnomAD exomes 0.00002; TOPMed 0.00002.
gnomAD v4.1: 41 of 1,613,396 alleles (0.0025%); highest among the groups gnomAD compares: East Asian, 0.0045%; no homozygotes.

Submissions (5):

Labcorp Genetics (formerly Invitae), Labcorp
Classification: Likely benign for Fanconi anemia. Last evaluated: 2025-12-24. Review status: criteria provided, single submitter. Criteria: Invitae Variant Classification Sherloc (09022015). Collection method: clinical testing. Allele origin: germline.

Quest Diagnostics Nichols Institute San Juan Capistrano
Classification: Likely benign. Last evaluated: 2023-01-31. Review status: criteria provided, single submitter. Criteria: Quest Diagnostics criteria. Collection method: clinical testing. Allele origin: unknown.

Ambry Genetics
Classification: Likely benign for Hereditary cancer-predisposing syndrome. Last evaluated: 2019-02-11. Review status: criteria provided, single submitter. Criteria: Ambry Variant Classification Scheme 2023. Collection method: clinical testing. Allele origin: germline.

GeneDx
Classification: Likely benign. Last evaluated: 2017-05-26. Review status: criteria provided, single submitter. Criteria: GeneDx Variant Classification (06012015). Collection method: clinical testing. Allele origin: germline. Affected: yes.
Comment: This variant is considered likely benign or benign based on one or more of the following criteria: it is a conservative change, it occurs at a poorly conserved position in the protein, it is predicted to be benign by multiple in silico algorithms, and/or has population frequency not consistent with disease.

Natera, Inc.
Classification: Likely benign for Fanconi anemia, group C. Last evaluated: 2020-09-16. Review status: no assertion criteria provided. Collection method: clinical testing. Allele origin: germline. Not counted in ClinVar's aggregate classification.